The following is an entry in ClinVar:

ClinVar aggregate classification (germline): Uncertain significance (1 of 4 stars; one submission).

Conditions:
EEF2-related disorder. Also called: EEF2-related condition.

Submission:

PreventionGenetics, part of Exact Sciences
Classification: Uncertain significance for EEF2-related condition. Last evaluated: 2024-12-18. Review status: criteria provided, single submitter. Criteria: ACMG Guidelines, 2015. Collection method: clinical testing. Allele origin: germline.
Comment: The EEF2 c.822C>A variant is predicted to result in the amino acid substitution p.Ser274Arg. To our knowledge, this variant has not been reported in the literature or in a large population database (gnomAD), indicating this variant is rare. At this time, the clinical significance of this variant is uncertain due to the absence of conclusive functional and genetic evidence.

NM_001961.4(EEF2):c.822C>A (p.Ser274Arg)

Gene: EEF2 (eukaryotic translation elongation factor 2; minus strand). Cytogenetic location: 19p13.3.
Variant type: single nucleotide variant.
Coding change: c.822C>A on transcript NM_001961.4 (MANE Select); coding-DNA position 822, C replaced by A.
Protein change: p.Ser274Arg; replaces serine 274 with arginine.
Molecular consequence: missense variant.
Genome position (GRCh38, 1-based): chr19:3,982,022, G>T on the plus strand (C>A on the coding strand, the complement: EEF2 is on the minus strand). VCF-style: chr19-3982022-G-T. GRCh37 (hg19) VCF-style: chr19-3982020-G-T.
Other names: short protein forms S274R.
Identifiers: ClinVar variation 4998772 (VCV004998772.1).